The following is an entry in ClinVar:

ClinVar aggregate classification (germline): Uncertain significance. Review status: criteria provided, multiple submitters, no conflicts (2 of 4 stars). 2 submissions from 2 submitters: Uncertain significance (2). Last evaluated 2025-08-11.

Conditions:
Hypogonadotropic hypogonadism 19 with or without anosmia (HH19). Also called: HYPOGONADOTROPIC HYPOGONADISM 19 WITH ANOSMIA; HYPOGONADOTROPIC HYPOGONADISM 19 WITH ANOSMIA, SUSCEPTIBILITY TO; HYPOGONADOTROPIC HYPOGONADISM 19 WITHOUT ANOSMIA. Identifiers: Orphanet 478, MedGen C3808981, MONDO:0014105, OMIM 615269.

Allele frequency attached by ClinVar (database versions not stated): gnomAD exomes below 0.00001 and 0.00001; gnomAD 0.00001; TOPMed 0.00002.

Submissions (2):

Ambry Genetics
Classification: Uncertain significance. Last evaluated: 2025-08-11. Review status: criteria provided, single submitter. Criteria: Ambry Variant Classification Scheme 2023. Collection method: clinical testing. Allele origin: germline.

Baylor Genetics
Classification: Uncertain significance for Hypogonadotropic hypogonadism 19 with or without anosmia. Last evaluated: 2019-03-15. Review status: criteria provided, single submitter. Criteria: ACMG Guidelines, 2015. Collection method: clinical testing. Allele origin: unknown. Affected: yes.
Comment: This variant was determined to be of uncertain significance according to ACMG Guidelines, 2015 [PMID:25741868].

NM_001946.4(DUSP6):c.169G>A (p.Ala57Thr)

Genes: DUSP6 (dual specificity phosphatase 6; minus strand), POC1B-DUSP6 (POC1B-DUSP6 readthrough; minus strand). Cytogenetic location: 12q21.33.
Variant type: single nucleotide variant.
Coding change: c.169G>A on transcript NM_001946.4 (MANE Select); coding-DNA position 169, G replaced by A.
Protein change: p.Ala57Thr; replaces alanine 57 with threonine.
Molecular consequence: missense variant.
Genome position (GRCh38, 1-based): chr12:89,351,871, C>T on the plus strand (G>A on the coding strand, the complement: DUSP6 is on the minus strand). VCF-style: chr12-89351871-C-T. GRCh37 (hg19) VCF-style: chr12-89745648-C-T.
Other names: c.169G>A, p.Ala57Thr (NM_022652.4); short protein forms A57T.
Identifiers: ClinVar variation 1029551 (VCV001029551.4), dbSNP rs936222145, ClinGen allele CA241160739.